The following is an entry in ClinVar:

NM_017886.4(ULK4):c.1349-5C>G

Gene: ULK4 (unc-51 like kinase 4; minus strand). Cytogenetic location: 3p22.1.
Variant type: single nucleotide variant.
Coding change: c.1349-5C>G on transcript NM_017886.4 (MANE Select); 5 bases into the intron before coding-DNA position 1349, C replaced by G.
Molecular consequence: intron variant.
Genome position (GRCh38, 1-based): chr3:41,897,008, G>C on the plus strand (C>G on the coding strand, the complement: ULK4 is on the minus strand). VCF-style: chr3-41897008-G-C. GRCh37 (hg19) VCF-style: chr3-41938500-G-C.
Other names: c.443-5C>G (NM_001322501.2); c.1349-5C>G (NM_001322500.2).
Identifiers: ClinVar variation 403587 (VCV000403587.6), dbSNP rs1717005, ClinGen allele CA2332326.

ClinVar aggregate classification (germline): Benign. Review status: criteria provided, multiple submitters, no conflicts (2 of 4 stars). 2 submissions from 2 submitters: Benign (2). Last evaluated 2016-03-29.

Allele frequency attached by ClinVar (database versions not stated): ESP Exome Variant Server 0.92411; gnomAD 0.92732 and 0.92252; gnomAD exomes 0.97917 and 0.99058; TOPMed 0.91722; 1000 Genomes Project 0.91893; 1000 Genomes Project 30x 0.91724; ExAC 0.97688.
gnomAD v4.1: 1,578,679 of 1,604,058 alleles (98%); highest among the groups gnomAD compares: East Asian, 100%; 779,138 homozygotes.

Submissions (3):

Laboratory for Molecular Medicine, Mass General Brigham Personalized Medicine
Classification: Benign. Last evaluated: 2016-03-29. Review status: criteria provided, single submitter. Criteria: LMM Criteria. Collection method: clinical testing. Allele origin: germline.
Comment: Variant identified in a genome or exome case(s) and assessed due to predicted null impact of the variant or pathogenic assertions in the literature or databases. Disclaimer: This variant has not undergone full assessment. The following are preliminary notes: Frequency

Breakthrough Genomics
Classification: Benign. Review status: criteria provided, single submitter. Criteria: ACMG Guidelines, 2015. Collection method: not provided. Allele origin: germline. Inheritance: Unknown mechanism. Affected: yes.

Dr. Peter K. Rogan Lab, Western University
No classification provided (evidence only). Condition: Hepatocellular carcinoma. Review status: no classification provided. Collection method: in vitro. Allele origin: not applicable. Functional consequence: retained intron. Not counted in ClinVar's aggregate classification.